The following is an entry in ClinVar:

NM_019098.5(CNGB3):c.211+8T>C

Gene: CNGB3 (cyclic nucleotide gated channel subunit beta 3; minus strand). Cytogenetic location: 8q21.3.
Variant type: single nucleotide variant.
Coding change: c.211+8T>C on transcript NM_019098.5 (MANE Select); 8 bases into the intron after coding-DNA position 211, T replaced by C.
Molecular consequence: intron variant.
Genome position (GRCh38, 1-based): chr8:86,739,647, A>G on the plus strand (T>C on the coding strand, the complement: CNGB3 is on the minus strand). VCF-style: chr8-86739647-A-G. GRCh37 (hg19) VCF-style: chr8-87751875-A-G.
Other names: c.211+8T>C (NM_019098.4).
Identifiers: ClinVar variation 1118551 (VCV001118551.10), dbSNP rs1365685560, ClinGen allele CA583027412.
Genomic context (GRCh38, chr8:86,739,647, plus strand): 5'-CACATTTCAGATACATATGTATTTCACTTTTTAGTTTTTTTTTTTTTTTTTTCAGACTGC[A>G]TTCTGACCTTGTATGTTGGTGTGTGGCTCTTCAGACGTGACTGGAGTTGACTTGGTTTTG-3'

ClinVar aggregate classification (germline): Likely benign. Review status: criteria provided, multiple submitters, no conflicts (2 of 4 stars). 2 submissions from 2 submitters: Likely benign (2). Last evaluated 2026-01-02.

Conditions:
CNGB3-related disorder. Also called: CNGB3-related condition; CNGB3-related disorders. Identifiers: MedGen CN239340.

Allele frequency attached by ClinVar (database versions not stated): gnomAD exomes 0.00001; TOPMed below 0.00001.
gnomAD v4.1: 12 of 1,555,878 alleles (0.00077%); highest among the groups gnomAD compares: Non-Finnish European, 0.001%; no homozygotes.

Submissions (2):

PreventionGenetics, part of Exact Sciences
Classification: Likely benign for CNGB3-related condition. Last evaluated: 2026-01-02. Review status: criteria provided, single submitter. Criteria: ACMG Guidelines, 2015. Collection method: clinical testing. Allele origin: germline.
Comment: This variant is classified as likely benign based on ACMG/AMP sequence variant interpretation guidelines (Richards et al. 2015 PMID: 25741868, with internal and published modifications).

Labcorp Genetics (formerly Invitae), Labcorp
Classification: Likely benign. Last evaluated: 2022-05-29. Review status: criteria provided, single submitter. Criteria: Invitae Variant Classification Sherloc (09022015). Collection method: clinical testing. Allele origin: germline.